The following is an entry in ClinVar:

ClinVar aggregate classification (germline): Uncertain significance (1 of 4 stars; one submission).

Conditions:
Dilated cardiomyopathy 1G (CMD1G). Identifiers: Orphanet 154, MedGen C1858763, MONDO:0011400, OMIM 604145.
Autosomal recessive limb-girdle muscular dystrophy type 2J (LGMDR10). Also called: Limb-girdle muscular dystrophy, type 2J; MUSCULAR DYSTROPHY, LIMB-GIRDLE, AUTOSOMAL RECESSIVE 10. Identifiers: Orphanet 140922, MedGen C1837342, MONDO:0012127, OMIM 608807.

Allele frequency attached by ClinVar (database versions not stated): TOPMed below 0.00001; ExAC 0.00002.
gnomAD v4.1: 1 of 1,613,900 alleles (0.000062%); highest among the groups gnomAD compares: Admixed American, 0.0017%; no homozygotes.

Submission:

Labcorp Genetics (formerly Invitae), Labcorp
Classification: Uncertain significance for Dilated cardiomyopathy 1G; Autosomal recessive limb-girdle muscular dystrophy type 2J. Last evaluated: 2025-05-11. Review status: criteria provided, single submitter. Criteria: Invitae Variant Classification Sherloc (09022015). Collection method: clinical testing. Allele origin: germline.
Comment: This sequence change replaces leucine, which is neutral and non-polar, with methionine, which is neutral and non-polar, at codon 34177 of the TTN protein (p.Leu34177Met). This variant is present in population databases (rs760034286, gnomAD 0.01%). This variant has not been reported in the literature in individuals affected with TTN-related conditions. ClinVar contains an entry for this variant (Variation ID: 1903936). Experimental studies and prediction algorithms are not available or were not evaluated, and the functional significance of this variant is currently unknown. This variant is located in the M band of TTN (PMID: 25589632). Non-truncating variants in this region may be relevant for neuromuscular disorders, but have not been definitively shown to cause cardiomyopathy (PMID: 23975875). In summary, the available evidence is currently insufficient to determine the role of this variant in disease. Therefore, it has been classified as a Variant of Uncertain Significance.

Literature cited by the submitters: PubMed 25589632; PubMed 23975875.

NM_001267550.2(TTN):c.102529C>A (p.Leu34177Met)

Genes: TTN (titin; minus strand), TTN-AS1 (TTN antisense RNA 1; plus strand). Cytogenetic location: 2q31.2.
Variant type: single nucleotide variant.
Coding change: c.102529C>A on transcript NM_001267550.2 (MANE Select); coding-DNA position 102529, C replaced by A.
Protein change: p.Leu34177Met; replaces leucine 34177 with methionine.
Molecular consequence: missense variant.
Genome position (GRCh38, 1-based): chr2:178,534,086, G>T on the plus strand (C>A on the coding strand, the complement: TTN is on the minus strand). VCF-style: chr2-178534086-G-T. GRCh37 (hg19) VCF-style: chr2-179398813-G-T.
Other names: c.97606C>A, p.Leu32536Met (NM_001256850.1); c.75334C>A, p.Leu25112Met (NM_003319.4); c.94825C>A, p.Leu31609Met (NM_133378.4); c.75709C>A, p.Leu25237Met (NM_133432.3); c.75910C>A, p.Leu25304Met (NM_133437.4); short protein forms L31609M, L25112M, L25237M, L25304M, L32536M, L34177M.
Identifiers: ClinVar variation 1903936 (VCV001903936.5), dbSNP rs760034286, ClinGen allele CA1985741.
Genomic context (GRCh38, chr2:178,534,086, plus strand): 5'-TGACATAGAGGATGGCCACTCCATCTTCGTAGGTGATTTCGTATTTCTCACTGTTCTCCA[G>T]CTGTCGGACGCCAAAGTACCAAGTCACTTGGGTAGACTGATCATAATTTTCAATTTTGCA-3'
Protein context (NP_001254479.2, residues 34167-34187): QVTWYFGVRQ[Leu34177Met]ENSEKYEITY